The following is an entry in ClinVar:

NM_001099287.2(NIPAL4):c.841T>C (p.Phe281Leu)

Gene: NIPAL4 (NIPA like domain containing 4; plus strand). Cytogenetic location: 5q33.3.
Variant type: single nucleotide variant.
Coding change: c.841T>C on transcript NM_001099287.2 (MANE Select); coding-DNA position 841, T replaced by C.
Protein change: p.Phe281Leu; replaces phenylalanine 281 with leucine.
Molecular consequence: missense variant.
Genome position (GRCh38, 1-based): chr5:157,472,586, T>C. VCF-style: chr5-157472586-T-C. GRCh37 (hg19) VCF-style: chr5-156899594-T-C.
Other names: c.784T>C, p.Phe262Leu (NM_001172292.2); short protein forms F262L, F281L.
Identifiers: ClinVar variation 4278789 (VCV004278789.1).

ClinVar aggregate classification (germline): Uncertain significance (1 of 4 stars; one submission).

Submission:

GeneDx
Classification: Uncertain significance. Last evaluated: 2025-04-03. Review status: criteria provided, single submitter. Criteria: GeneDx Variant Classification Process June 2021. Collection method: clinical testing. Allele origin: germline. Affected: yes.
Comment: Not observed at significant frequency in large population cohorts (gnomAD); In silico analysis supports that this missense variant has a deleterious effect on protein structure/function; Has not been previously published as pathogenic or benign to our knowledge